The following is an entry in ClinVar:

NM_020937.4(FANCM):c.3626T>C (p.Val1209Ala)

Gene: FANCM (FA complementation group M; plus strand). Cytogenetic location: 14q21.2.
Variant type: single nucleotide variant.
Coding change: c.3626T>C on transcript NM_020937.4 (MANE Select); coding-DNA position 3626, T replaced by C.
Protein change: p.Val1209Ala; replaces valine 1209 with alanine.
Molecular consequence: missense variant.
Genome position (GRCh38, 1-based): chr14:45,176,380, T>C. VCF-style: chr14-45176380-T-C. GRCh37 (hg19) VCF-style: chr14-45645583-T-C.
Other names: c.3548T>C, p.Val1183Ala (NM_001308133.2); short protein forms V1209A, V1183A.
Identifiers: ClinVar variation 2854901 (VCV002854901.3), dbSNP rs113626509, ClinGen allele CA259628419.

ClinVar aggregate classification (germline): Uncertain significance (1 of 4 stars; one submission).

Conditions:
Fanconi anemia (FA). Also called: Fanconi's anemia. Identifiers: Orphanet 84, MedGen C0015625, MeSH D005199, MONDO:0019391.

gnomAD v4.1: 1 of 1,612,980 alleles (0.000062%); no homozygotes.

Submission:

Labcorp Genetics (formerly Invitae), Labcorp
Classification: Uncertain significance for Fanconi anemia. Last evaluated: 2023-09-18. Review status: criteria provided, single submitter. Criteria: Invitae Variant Classification Sherloc (09022015). Collection method: clinical testing. Allele origin: germline.
Comment: This sequence change replaces valine, which is neutral and non-polar, with alanine, which is neutral and non-polar, at codon 1209 of the FANCM protein (p.Val1209Ala). This variant is not present in population databases (gnomAD no frequency). This variant has not been reported in the literature in individuals affected with FANCM-related conditions. Algorithms developed to predict the effect of missense changes on protein structure and function output the following: SIFT: "Not Available"; PolyPhen-2: "Benign"; Align-GVGD: "Not Available". The alanine amino acid residue is found in multiple mammalian species, which suggests that this missense change does not adversely affect protein function. In summary, the available evidence is currently insufficient to determine the role of this variant in disease. Therefore, it has been classified as a Variant of Uncertain Significance.